The following is an entry in ClinVar:

ClinVar aggregate classification (germline): Uncertain significance. Review status: reviewed by expert panel (3 of 4 stars). 3 submissions from 3 submitters: Uncertain significance (1). 2 of the submissions do not count toward it. Last evaluated 2026-04-08.

Conditions:
HBA2-related alpha thalassemia spectrum. Identifiers: MedGen CN377749, MONDO:0100562.

Allele frequency attached by ClinVar (database versions not stated): gnomAD 0.00002 and 0.00003; gnomAD exomes 0.00002.
gnomAD v4.1: 28 of 1,508,844 alleles (0.0019%); highest among the groups gnomAD compares: East Asian, 0.021%; 1 homozygote.

Submissions (3):

ClinGen Hemoglobinopathy Variant Curation Expert Panel, ClinGen
Classification: Uncertain significance for HBA2-related alpha thalassemia spectrum. Last evaluated: 2026-04-08. Review status: reviewed by expert panel. Criteria: ClinGen Hb Opathy ACMG Specifications HBA2 V1.0.0. Collection method: curation. Allele origin: germline. Inheritance: Autosomal recessive inheritance.
Comment: The c.*98T>C variant is found in the 3'UTR region of HBA2. The minor allele frequency in gnomAD v4.1 is 0.0000186 (28/1508844 alleles), which is lower than the ClinGen Hemoglobinopathy VCEP threshold (<0.0001) for PM2_Supporting, and therefore meets this criterion [PM2_P]. This variant has only been observed in 2 related individuals in cis with the pathogenic variant HBA2:c.*92A>G [The Hemoglobinopathies Laboratory, Department of Human and Clinical Genetics, Leiden University Medical Center]. The results from two in silico predictors, CADD (PHRED score 8.97; VCEP threshold ≤11) and SpliceAI (Δ score 0; VCEP threshold ≤0.3) suggest that this variant is not expected to impact HBA2 function [BP4]. Due to insufficient and conflicting evidence, this variant meets criteria to be classified as a variant of uncertain significance (VUS) for recessive HBA2-related alpha thalassemia spectrum (MONDO:0100562) based on the ACMG/AMP criteria applied, as specified by the ClinGen Hemoglobinopathy VCEP (specification version 1.0.0): PM2_P, BP4

Quest Diagnostics Nichols Institute San Juan Capistrano
Classification: Uncertain significance. Last evaluated: 2020-11-03. Review status: criteria provided, single submitter. Criteria: Quest Diagnostics criteria. Collection method: clinical testing. Allele origin: unknown. Not counted in ClinVar's aggregate classification.

ARUP Laboratories, Molecular Genetics and Genomics, ARUP Laboratories
Classification: Likely benign. Last evaluated: 2017-03-27. Review status: criteria provided, single submitter. Criteria: ARUP Molecular Germline Variant Investigation Process. Collection method: clinical testing. Allele origin: germline. Not counted in ClinVar's aggregate classification.

NM_000517.6(HBA2):c.*98T>C

Genes: HBA2 (hemoglobin subunit alpha 2; plus strand), LOC106804612 (hemoglobin subunit alpha 2 recombination region; plus strand). Cytogenetic location: 16p13.3.
Variant type: single nucleotide variant.
Coding change: c.*98T>C on transcript NM_000517.6 (MANE Select); 98 bases downstream of the stop codon, T replaced by C.
Molecular consequence: 3 prime UTR variant.
Genome position (GRCh38, 1-based): chr16:173,698, T>C. VCF-style: chr16-173698-T-C. GRCh37 (hg19) VCF-style: chr16-223697-T-C.
Identifiers: ClinVar variation 439111 (VCV000439111.11), dbSNP rs1455865276, ClinGen allele CA620304387.